The following is an entry in ClinVar:

NM_006914.4(RORB):c.1265dup (p.Leu422fs)

Genes: RORB (RAR related orphan receptor B; plus strand), LOC124310566 (Sharpr-MPRA regulatory region 9792; plus strand). Cytogenetic location: 9q21.13.
Variant type: Duplication.
Coding change: c.1265dup on transcript NM_006914.4 (MANE Select); coding-DNA position 1265, one base duplicated (T; older notation c.1265dupT).
Protein change: p.Leu422fs; shifts the reading frame from leucine 422.
Molecular consequence: frameshift variant.
Genome position (GRCh38, 1-based): chr9:74,685,503, T duplicated; the last of 2 consecutive T bases (chr9:74,685,502-74,685,503); duplicating either gives the same sequence. VCF-style (leftmost placement, unchanged base first): chr9-74685501-C-CT. GRCh37 (hg19) VCF-style: chr9-77300417-C-CT.
Other names: c.1298dup, p.Leu433fs (NM_001365023.1); short protein forms L422fs, L433fs.
Identifiers: ClinVar variation 2102872 (VCV002102872.4), dbSNP rs2489679500, ClinGen allele CA2580080559.

ClinVar aggregate classification (germline): Uncertain significance (1 of 4 stars; one submission).

Submission:

Labcorp Genetics (formerly Invitae), Labcorp
Classification: Uncertain significance. Last evaluated: 2022-02-24. Review status: criteria provided, single submitter. Criteria: Invitae Variant Classification Sherloc (09022015). Collection method: clinical testing. Allele origin: germline.
Comment: In summary, the available evidence is currently insufficient to determine the role of this variant in disease. Therefore, it has been classified as a Variant of Uncertain Significance. Experimental studies and prediction algorithms are not available or were not evaluated, and the functional significance of this variant is currently unknown. This variant has not been reported in the literature in individuals affected with RORB-related conditions. This variant is not present in population databases (gnomAD no frequency). This sequence change creates a premature translational stop signal (p.Leu422Phefs*10) in the RORB gene. While this is not anticipated to result in nonsense mediated decay, it is expected to disrupt the last 38 amino acid(s) of the RORB protein.